The following is an entry in ClinVar:

ClinVar aggregate classification (germline): Uncertain significance. Review status: criteria provided, multiple submitters, no conflicts (2 of 4 stars). 2 submissions from 2 submitters: Uncertain significance (2). Last evaluated 2024-01-18.

Conditions:
Imerslund-Grasbeck syndrome type 1 (IGS1). Also called: Imerslund-Gräsbeck syndrome 1; Megaloblastic anemia 1, Finnish type; MEGALOBLASTIC ANEMIA, 1. Identifiers: MedGen C4016819, MONDO:0100156, OMIM 261100.
Proteinuria, chronic benign. Identifiers: MedGen C5394384, MONDO:0030042, OMIM 618884.
Imerslund-Grasbeck syndrome. Also called: ENTEROCYTE COBALAMIN MALABSORPTION; ENTEROCYTE INTRINSIC FACTOR RECEPTOR, DEFECT OF; PERNICIOUS ANEMIA, JUVENILE, DUE TO SELECTIVE INTESTINAL MALABSORPTION OF VITAMIN B12, WITH PROTEINURIA; Imerslund-Gräsbeck syndrome; Megaloblastic anemia due to inborn errors of metabolism. Identifiers: Orphanet 35858, MedGen C4551825, MONDO:0009853.

Allele frequency attached by ClinVar (database versions not stated): TOPMed 0.00001; ExAC 0.00003.
gnomAD v4.1: 16 of 1,614,060 alleles (0.00099%); highest among the groups gnomAD compares: Admixed American, 0.0017%; no homozygotes.

Submissions (2):

Fulgent Genetics
Classification: Uncertain significance for Imerslund-Grasbeck syndrome type 1; Proteinuria, chronic benign. Last evaluated: 2024-01-18. Review status: criteria provided, single submitter. Criteria: ACMG Guidelines, 2015. Collection method: clinical testing. Allele origin: germline.

Labcorp Genetics (formerly Invitae), Labcorp
Classification: Uncertain significance for Imerslund-Grasbeck syndrome. Last evaluated: 2022-03-28. Review status: criteria provided, single submitter. Criteria: Invitae Variant Classification Sherloc (09022015). Collection method: clinical testing. Allele origin: germline.
Comment: In summary, the available evidence is currently insufficient to determine the role of this variant in disease. Therefore, it has been classified as a Variant of Uncertain Significance. Algorithms developed to predict the effect of missense changes on protein structure and function are either unavailable or do not agree on the potential impact of this missense change (SIFT: "Deleterious"; PolyPhen-2: "Probably Damaging"; Align-GVGD: "Class C0"). This variant has not been reported in the literature in individuals affected with CUBN-related conditions. This variant is present in population databases (rs767407930, gnomAD 0.009%). This sequence change replaces arginine, which is basic and polar, with glutamine, which is neutral and polar, at codon 1487 of the CUBN protein (p.Arg1487Gln).

NM_001081.4(CUBN):c.4460G>A (p.Arg1487Gln)

Gene: CUBN (cubilin; minus strand). Cytogenetic location: 10p13.
Variant type: single nucleotide variant.
Coding change: c.4460G>A on transcript NM_001081.4 (MANE Select); coding-DNA position 4460, G replaced by A.
Protein change: p.Arg1487Gln; replaces arginine 1487 with glutamine.
Molecular consequence: missense variant.
Genome position (GRCh38, 1-based): chr10:16,984,170, C>T on the plus strand (G>A on the coding strand, the complement: CUBN is on the minus strand). VCF-style: chr10-16984170-C-T. GRCh37 (hg19) VCF-style: chr10-17026169-C-T.
Other names: short protein forms R1487Q.
Identifiers: ClinVar variation 2152871 (VCV002152871.5), dbSNP rs767407930, ClinGen allele CA5424382.
Genomic context (GRCh38, chr10:16,984,170, plus strand): 5'-GTGACTGCTTGCCATGACGCATTGAAGCCTCTCCCATTTATGGACAAGTCGGTCTTGAAT[C>T]GAATTGCTAGCTCATTTCCAGTGCTGGAGACCTGCATGGGGTTCTCAGGTGATCTCTGGG-3'
Protein context (NP_001072.2, residues 1477-1497): VSSTGNELAI[Arg1487Gln]FKTDLSINGR